The following is an entry in ClinVar:

ClinVar aggregate classification (germline): Likely benign (0 of 4 stars; one submission).

Conditions:
DIS3L2-related disorder. Also called: DIS3L2-related condition.

Submission:

PreventionGenetics, part of Exact Sciences
Classification: Likely benign for DIS3L2-related condition. Last evaluated: 2024-04-05. Review status: no assertion criteria provided. Collection method: clinical testing. Allele origin: germline.
Comment: This variant is classified as likely benign based on ACMG/AMP sequence variant interpretation guidelines (Richards et al. 2015 PMID: 25741868, with internal and published modifications).

NM_152383.5(DIS3L2):c.249C>A (p.Ala83=)

Gene: DIS3L2 (DIS3 like 3'-5' exoribonuclease 2; plus strand). Cytogenetic location: 2q37.1.
Variant type: single nucleotide variant.
Coding change: c.249C>A on transcript NM_152383.5 (MANE Select); coding-DNA position 249, C replaced by A.
Protein change: p.Ala83=; no amino-acid change (alanine 83 retained).
Molecular consequence: synonymous variant. On other transcripts: non-coding transcript variant (2).
Genome position (GRCh38, 1-based): chr2:232,024,315, C>A. VCF-style: chr2-232024315-C-A. GRCh37 (hg19) VCF-style: chr2-232889025-C-A.
Other names: c.249C>A, p.Ala83= (NM_001257281.2, NM_001257282.2).
Identifiers: ClinVar variation 3349279 (VCV003349279.1).